The following is an entry in ClinVar:

NM_003859.3(DPM1):c.161+10C>T

Genes: DPM1 (dolichyl-phosphate mannosyltransferase subunit 1, catalytic; minus strand), LOC130066166 (ATAC-STARR-seq lymphoblastoid active region 18108; plus strand). Cytogenetic location: 20q13.13.
Variant type: single nucleotide variant.
Coding change: c.161+10C>T on transcript NM_003859.3 (MANE Select); 10 bases into the intron after coding-DNA position 161, C replaced by T.
Molecular consequence: intron variant.
Genome position (GRCh38, 1-based): chr20:50,958,353, G>A on the plus strand (C>T on the coding strand, the complement: DPM1 is on the minus strand). VCF-style: chr20-50958353-G-A. GRCh37 (hg19) VCF-style: chr20-49574890-G-A.
Other names: c.161+10C>T (NM_001317036.1, NM_001317035.1, NM_001317034.1).
Identifiers: ClinVar variation 338755 (VCV000338755.12), dbSNP rs779869066, ClinGen allele CA9909225.

ClinVar aggregate classification (germline): Conflicting classifications of pathogenicity. Review status: criteria provided, conflicting classifications (1 of 4 stars). 3 submissions from 3 submitters: Uncertain significance (1); Likely benign (2). Last evaluated 2024-10-13.

Conditions:
Congenital disorder of glycosylation type 1E (CDG1E). Also called: CONGENITAL DISORDER OF GLYCOSYLATION, TYPE Ie; CDG Ie. Identifiers: Orphanet 79322, MedGen C1837396, MONDO:0012123, OMIM 608799.

Allele frequency attached by ClinVar (database versions not stated): gnomAD below 0.00001 and 0.00001; ExAC 0.00002; gnomAD exomes 0.00002; TOPMed 0.00002.
gnomAD v4.1: 26 of 1,612,770 alleles (0.0016%); highest among the groups gnomAD compares: Middle Eastern, 0.25%; no homozygotes.

Submissions (3):

Labcorp Genetics (formerly Invitae), Labcorp
Classification: Likely benign for Congenital disorder of glycosylation type 1E. Last evaluated: 2024-10-13. Review status: criteria provided, single submitter. Criteria: Invitae Variant Classification Sherloc (09022015). Collection method: clinical testing. Allele origin: germline.

Illumina Laboratory Services, Illumina
Classification: Uncertain significance for Congenital disorder of glycosylation type 1E. Last evaluated: 2018-01-12. Review status: criteria provided, single submitter. Criteria: ICSL Variant Classification Criteria 13 December 2019. Collection method: clinical testing. Allele origin: germline.

GeneDx
Classification: Likely benign. Last evaluated: 2017-10-24. Review status: criteria provided, single submitter. Criteria: GeneDx Variant Classification (06012015). Collection method: clinical testing. Allele origin: germline. Affected: yes.
Comment: This variant is considered likely benign or benign based on one or more of the following criteria: it is a conservative change, it occurs at a poorly conserved position in the protein, it is predicted to be benign by multiple in silico algorithms, and/or has population frequency not consistent with disease.